The following is an entry in ClinVar:

NM_005188.4(CBL):c.660G>A (p.Glu220=)

Gene: CBL (Cbl proto-oncogene; plus strand). Cytogenetic location: 11q23.3.
Variant type: single nucleotide variant.
Coding change: c.660G>A on transcript NM_005188.4 (MANE Select); coding-DNA position 660, G replaced by A.
Protein change: p.Glu220=; no amino-acid change (glutamic acid 220 retained).
Molecular consequence: synonymous variant.
Genome position (GRCh38, 1-based): chr11:119,273,937, G>A. VCF-style: chr11-119273937-G-A. GRCh37 (hg19) VCF-style: chr11-119144647-G-A.
Other names: c.660G>A (NM_005188.2, NM_005188.3).
Identifiers: ClinVar variation 1338196 (VCV001338196.12), dbSNP rs949933368, ClinGen allele CA229659767.

ClinVar aggregate classification (germline): Conflicting classifications of pathogenicity. Review status: criteria provided, conflicting classifications (1 of 4 stars). 4 submissions from 4 submitters: Uncertain significance (1); Likely benign (2). 1 of the submissions does not count toward it. Last evaluated 2025-12-20.

Conditions:
RASopathy. Also called: rasopathies; Noonan spectrum disorder. Identifiers: Orphanet 536391, MedGen C5555857, MONDO:0021060.
Cardiovascular phenotype. Identifiers: MedGen CN230736.
CBL-related disorder. Also called: NOONAN SYNDROME-LIKE DISORDER WITHOUT JUVENILE MYELOMONOCYTIC LEUKEMIA; CBL MUTATION-ASSOCIATED SYNDROME; CBL SYNDROME. Identifiers: Orphanet 363972, MedGen C3150803, MONDO:0013308, OMIM 613563.

Allele frequency attached by ClinVar (database versions not stated): gnomAD exomes below 0.00001 and 0.00001; gnomAD 0.00001; TOPMed 0.00001.
gnomAD v4.1: 10 of 1,613,856 alleles (0.00062%); highest among the groups gnomAD compares: Non-Finnish European, 0.00085%; no homozygotes.

Submissions (4):

Labcorp Genetics (formerly Invitae), Labcorp
Classification: Likely benign for RASopathy. Last evaluated: 2025-12-20. Review status: criteria provided, single submitter. Criteria: Invitae Variant Classification Sherloc (09022015). Collection method: clinical testing. Allele origin: germline.

Genetic Services Laboratory, University of Chicago
Classification: Uncertain significance. Last evaluated: 2021-12-22. Review status: criteria provided, single submitter. Criteria: ACMG Guidelines, 2015. Collection method: clinical testing. Allele origin: germline. Affected: no.

Ambry Genetics
Classification: Likely benign for Cardiovascular phenotype. Last evaluated: 2019-09-11. Review status: criteria provided, single submitter. Criteria: Ambry Variant Classification Scheme 2023. Collection method: clinical testing. Allele origin: germline.

PreventionGenetics, part of Exact Sciences
Classification: Likely benign for CBL-related condition. Last evaluated: 2023-02-22. Review status: no assertion criteria provided. Collection method: clinical testing. Allele origin: germline. Not counted in ClinVar's aggregate classification.
Comment: This variant is classified as likely benign based on ACMG/AMP sequence variant interpretation guidelines (Richards et al. 2015 PMID: 25741868, with internal and published modifications).